The following is an entry in ClinVar:

NM_014641.3(MDC1):c.3828C>T (p.Ser1276=)

Genes: MDC1 (mediator of DNA damage checkpoint 1; minus strand), MDC1-AS1 (MDC1 antisense RNA 1; plus strand). Cytogenetic location: 6p21.33.
Variant type: single nucleotide variant.
Coding change: c.3828C>T on transcript NM_014641.3 (MANE Select); coding-DNA position 3828, C replaced by T.
Protein change: p.Ser1276=; no amino-acid change (serine 1276 retained).
Molecular consequence: synonymous variant.
Genome position (GRCh38, 1-based): chr6:30,705,355, G>A on the plus strand (C>T on the coding strand, the complement: MDC1 is on the minus strand). VCF-style: chr6-30705355-G-A. GRCh37 (hg19) VCF-style: chr6-30673132-G-A.
Identifiers: ClinVar variation 775076 (VCV000775076.5), dbSNP rs145576697, ClinGen allele CA3702726.

ClinVar aggregate classification (germline): Benign/Likely benign. Review status: criteria provided, multiple submitters, no conflicts (2 of 4 stars). 2 submissions from 2 submitters: Benign (1); Likely benign (1). Last evaluated 2026-05-01.

Allele frequency attached by ClinVar (database versions not stated): gnomAD exomes 0.00332 and 0.00560; ExAC 0.00341; gnomAD 0.00372 and 0.00373; 1000 Genomes Project 0.00379; 1000 Genomes Project 30x 0.00422; ESP Exome Variant Server 0.00431.
gnomAD v4.1: 8,665 of 1,602,026 alleles (0.54%); highest among the groups gnomAD compares: Non-Finnish European, 0.67%; 37 homozygotes.

Submissions (2):

CeGaT Center for Human Genetics Tuebingen
Classification: Likely benign. Last evaluated: 2026-05-01. Review status: criteria provided, single submitter. Criteria: CeGaT Center For Human Genetics Tuebingen Variant Classification Criteria Version 2. Collection method: clinical testing. Allele origin: germline. Affected: yes. Observed: 1 variant allele.
Comment: MDC1: BP4, BP7, BS2

Labcorp Genetics (formerly Invitae), Labcorp
Classification: Benign. Last evaluated: 2018-07-30. Review status: criteria provided, single submitter. Criteria: Invitae Variant Classification Sherloc (09022015). Collection method: clinical testing. Allele origin: germline.